The following is an entry in ClinVar:

NM_003995.4(NPR2):c.2966G>T (p.Arg989Leu)

Genes: SPAG8 (sperm associated antigen 8; minus strand), NPR2 (natriuretic peptide receptor 2; plus strand). Cytogenetic location: 9p13.3.
Variant type: single nucleotide variant.
Coding change: c.2966G>T on transcript NM_003995.4 (MANE Select); coding-DNA position 2966, G replaced by T.
Protein change: p.Arg989Leu; replaces arginine 989 with leucine.
Molecular consequence: missense variant. On other transcripts: intron variant (2).
Genome position (GRCh38, 1-based): chr9:35,808,833, G>T. VCF-style: chr9-35808833-G-T. GRCh37 (hg19) VCF-style: chr9-35808830-G-T.
Other names: c.2975G>T, p.Arg992Leu (NM_001378923.1); c.1201-527C>A (NM_001366760.2); c.1373-527C>A (NM_172312.2); short protein forms R989L, R992L.
Identifiers: ClinVar variation 418389 (VCV000418389.14), dbSNP rs771373457, ClinGen allele CA16618861.

ClinVar aggregate classification (germline): Pathogenic/Likely pathogenic. Review status: criteria provided, multiple submitters, no conflicts (2 of 4 stars). 5 submissions from 5 submitters: Pathogenic (2); Likely pathogenic (2). 1 of the submissions does not count toward it. Last evaluated 2023-11-02.

Conditions:
NPR2-related disorder. Also called: NPR2-related condition; NPR2-related disorders.
Acromesomelic dysplasia 1, Maroteaux type (AMD1). Also called: ST. HELENA DYSPLASIA; ACROMESOMELIC DYSPLASIA 1. Identifiers: Orphanet 40, MedGen C1864356, MONDO:0011275, OMIM 602875.
Tall stature-scoliosis-macrodactyly of the great toes syndrome. Also called: Epiphyseal chondrodysplasia, miura type. Identifiers: Orphanet 329191, MedGen C4014690, MONDO:0014401, OMIM 615923.
Epilepsy, familial focal, with variable foci 2 (FFEVF2). Identifiers: MedGen C4310709, MONDO:0014924, OMIM 617116.

Allele frequency attached by ClinVar (database versions not stated): TOPMed 0.00001.
gnomAD v4.1: 17 of 1,606,366 alleles (0.0011%); highest among the groups gnomAD compares: Non-Finnish European, 0.0006%; no homozygotes.

Submissions (5):

GeneDx
Classification: Likely pathogenic. Last evaluated: 2023-11-02. Review status: criteria provided, single submitter. Criteria: GeneDx Variant Classification Process June 2021. Collection method: clinical testing. Allele origin: germline. Affected: yes.
Comment: Identified in patients with AMDM referred for genetic testing at GeneDx and in published literature, all of whom have a second NPR2 variant on the opposite allele (in trans) or phase unknown (PMID: 30359775, 25387261, 32720985); Published functional studies suggest this variant does not alter size, expression levels, or basal activity, but produces a dominant negative effect (PMID: 32720985); In silico analysis supports that this missense variant has a deleterious effect on protein structure/function; This variant is associated with the following publications: (PMID: 26633542, 25387261, 32720985, 30359775)

Labcorp Genetics (formerly Invitae), Labcorp
Classification: Pathogenic for Tall stature-scoliosis-macrodactyly of the great toes syndrome; Acromesomelic dysplasia 1, Maroteaux type. Last evaluated: 2023-02-11. Review status: criteria provided, single submitter. Criteria: Invitae Variant Classification Sherloc (09022015). Collection method: clinical testing. Allele origin: germline.
Comment: ClinVar contains an entry for this variant (Variation ID: 418389). This missense change has been observed in individual(s) with an abnormality of the skeletal system and/or autosomal recessive acromesomelic dysplasia (PMID: 26633542, 30359775, 32720985). In at least one individual the data is consistent with being in trans (on the opposite chromosome) from a pathogenic variant. It has also been observed to segregate with disease in related individuals. This variant is present in population databases (no rsID available, gnomAD 0.02%). This sequence change replaces arginine, which is basic and polar, with leucine, which is neutral and non-polar, at codon 989 of the NPR2 protein (p.Arg989Leu). Advanced modeling of protein sequence and biophysical properties (such as structural, functional, and spatial information, amino acid conservation, physicochemical variation, residue mobility, and thermodynamic stability) performed at Invitae indicates that this missense variant is expected to disrupt NPR2 protein function. Experimental studies have shown that this missense change affects NPR2 function (PMID: 32720985). For these reasons, this variant has been classified as Pathogenic.

Women's Health and Genetics/Laboratory Corporation of America, LabCorp
Classification: Pathogenic for NPR2-Related Disorders. Last evaluated: 2022-11-30. Review status: criteria provided, single submitter. Criteria: LabCorp Variant Classification Summary - May 2015. Collection method: clinical testing. Allele origin: germline.
Comment: Variant summary: NPR2 c.2966G>T (p.Arg989Leu) results in a non-conservative amino acid change located in the adenylyl cyclase class-3/4/guanylyl cyclase domain (IPR001054) of the encoded protein sequence. Five of five in-silico tools predict a damaging effect of the variant on protein function. The variant allele was found at a frequency of 1.2e-05 in 251492 control chromosomes (gnomAD). c.2966G>T has been reported in the literature in the compound heterozygous state in multiple individuals affected with skeletal abnormalities, predominantly acromesomelic dysplasia, Maroteaux type (AMDM) (e.g. Olney_2015, Retterer_2016, Ain_2019, Hanley_2020). These data indicate that the variant is likely to be associated with disease. At least one publication reports experimental evidence evaluating an impact on protein function (e.g. Hanley_2020). This study found that the variant results in a protein with <10% of normal activity in the presence of ligand. Two submitters have provided clinical-significance assessments for this variant to ClinVar after 2014 and both classified the variant as likely pathogenic. Based on the evidence outlined above, the variant was classified as pathogenic.

Revvity Omics, Revvity
Classification: Likely pathogenic. Last evaluated: 2022-03-28. Review status: criteria provided, single submitter. Criteria: ACMG Guidelines, 2015. Collection method: clinical testing. Allele origin: germline.

Biochemical Molecular Genetic Laboratory, King Abdulaziz Medical City
Classification: Likely pathogenic for Epilepsy, familial focal, with variable foci 2. Last evaluated: 2019-09-26. Review status: no assertion criteria provided. Collection method: clinical testing. Allele origin: germline. Affected: yes. Not counted in ClinVar's aggregate classification.

Literature cited by the submitters: PubMed 26633542 (cited by Labcorp Genetics (formerly Invitae), Labcorp and Women's Health and Genetics/Laboratory Corporation of America, LabCorp); PubMed 30359775 (cited by Labcorp Genetics (formerly Invitae), Labcorp and Women's Health and Genetics/Laboratory Corporation of America, LabCorp); PubMed 32720985 (cited by Labcorp Genetics (formerly Invitae), Labcorp and Women's Health and Genetics/Laboratory Corporation of America, LabCorp); PubMed 25387261 (cited by Women's Health and Genetics/Laboratory Corporation of America, LabCorp).